The following is an entry in ClinVar:

ClinVar aggregate classification (germline): Uncertain significance (1 of 4 stars; one submission).

Conditions:
SLC26A3-related disorder. Also called: SLC26A3-related condition.

Submission:

PreventionGenetics, part of Exact Sciences
Classification: Uncertain significance for SLC26A3-related condition. Last evaluated: 2022-11-09. Review status: criteria provided, single submitter. Criteria: ACMG Guidelines, 2015. Collection method: clinical testing. Allele origin: germline.
Comment: The SLC26A3 c.1190T>G variant is predicted to result in the amino acid substitution p.Leu397Arg. To our knowledge, this variant has not been reported in the literature or in a large population database, indicating this variant is rare. At this time, the clinical significance of this variant is uncertain due to the absence of conclusive functional and genetic evidence.

NM_000111.3(SLC26A3):c.1190T>G (p.Leu397Arg)

Gene: SLC26A3 (solute carrier family 26 member 3; minus strand). Cytogenetic location: 7q22.3.
Variant type: single nucleotide variant.
Coding change: c.1190T>G on transcript NM_000111.3 (MANE Select); coding-DNA position 1190, T replaced by G.
Protein change: p.Leu397Arg; replaces leucine 397 with arginine.
Molecular consequence: missense variant.
Genome position (GRCh38, 1-based): chr7:107,783,023, A>C on the plus strand (T>G on the coding strand, the complement: SLC26A3 is on the minus strand). VCF-style: chr7-107783023-A-C. GRCh37 (hg19) VCF-style: chr7-107423468-A-C.
Other names: short protein forms L397R.
Identifiers: ClinVar variation 2635462 (VCV002635462.1), dbSNP rs2535463036, ClinGen allele CA368851800.
Genomic context (GRCh38, chr7:107,783,023, plus strand): 5'-CAAAGATCTTGACATACCTGTGTTTTGCCTCCTGTGCTCTCCTGAACTGCTGATCTGGAG[A>C]GGGCAGTACTCCCAGCAAATCCTCTGAATACTCCACAGACTATGTTACCCAGTCCCAAGG-3'
Protein context (NP_000102.1, residues 387-407): VFRGFAGSTA[Leu397Arg]SRSAVQESTG